The following is an entry in ClinVar:

ClinVar aggregate classification (germline): Uncertain significance (1 of 4 stars; one submission).

Conditions:
Atrial fibrillation, familial, 14 (ATFB14). Identifiers: MedGen C3809312, MONDO:0014156, OMIM 615378.

Allele frequency attached by ClinVar (database versions not stated): TOPMed 0.00001; gnomAD 0.00002.

Submission:

Labcorp Genetics (formerly Invitae), Labcorp
Classification: Uncertain significance for Atrial fibrillation, familial, 14. Last evaluated: 2023-04-14. Review status: criteria provided, single submitter. Criteria: Invitae Variant Classification Sherloc (09022015). Collection method: clinical testing. Allele origin: germline.
Comment: This sequence change replaces glycine, which is neutral and non-polar, with cysteine, which is neutral and slightly polar, at codon 168 of the SCN2B protein (p.Gly168Cys). In summary, the available evidence is currently insufficient to determine the role of this variant in disease. Therefore, it has been classified as a Variant of Uncertain Significance. An algorithm developed to predict the effect of missense changes on protein structure and function (PolyPhen-2) suggests that this variant is likely to be disruptive. This variant has not been reported in the literature in individuals affected with SCN2B-related conditions. This variant is present in population databases (rs201685069, gnomAD 0.003%).

NM_004588.5(SCN2B):c.502G>T (p.Gly168Cys)

Gene: SCN2B (sodium voltage-gated channel beta subunit 2; minus strand). Cytogenetic location: 11q23.3.
Variant type: single nucleotide variant.
Coding change: c.502G>T on transcript NM_004588.5 (MANE Select); coding-DNA position 502, G replaced by T.
Protein change: p.Gly168Cys; replaces glycine 168 with cysteine.
Molecular consequence: missense variant.
Genome position (GRCh38, 1-based): chr11:118,167,033, C>A on the plus strand (G>T on the coding strand, the complement: SCN2B is on the minus strand). VCF-style: chr11-118167033-C-A. GRCh37 (hg19) VCF-style: chr11-118037748-C-A.
Other names: short protein forms G168C.
Identifiers: ClinVar variation 2713121 (VCV002713121.3), dbSNP rs201685069, ClinGen allele CA6300419.
Genomic context (GRCh38, chr11:118,167,033, plus strand): 5'-CTTTTTTTCTCCTCACACACTTGACCACCATCAGCACCAAGATGACCACAGCCAGGAAGC[C>A]CCCGACGGAGGCACCCACAATCACGGCCACCGTGGAGTCCCGCTCAGGGGGCTCTGGAAA-3'
Protein context (NP_004579.1, residues 158-178): VAVIVGASVG[Gly168Cys]FLAVVILVLM